The following is an entry in ClinVar:

ClinVar aggregate classification (germline): Conflicting classifications of pathogenicity. Review status: criteria provided, conflicting classifications (1 of 4 stars). 2 submissions from 2 submitters: Uncertain significance (1); Benign (1). Last evaluated 2026-04-16.

Conditions:
Bethlem myopathy 1A. Also called: MYOPATHY, BENIGN CONGENITAL, WITH CONTRACTURES; Bethlem Muscular Dystrophy; Bethlem myopathy 1. Identifiers: Orphanet 610, MedGen CN029274, MONDO:0024530, OMIM 158810.

gnomAD v4.1: 34 of 1,614,076 alleles (0.0021%); highest among the groups gnomAD compares: African/African-American, 0.004%; no homozygotes.

Submissions (2):

GeneDx
Classification: Uncertain significance. Last evaluated: 2026-04-16. Review status: criteria provided, single submitter. Criteria: GeneDx Variant Classification Process June 2021. Collection method: clinical testing. Allele origin: germline.
Comment: Not observed at significant frequency in large population cohorts (gnomAD); In silico analysis suggests that this missense variant does not alter protein structure/function; Has not been previously published as pathogenic or benign to our knowledge

Labcorp Genetics (formerly Invitae), Labcorp
Classification: Benign for Bethlem myopathy 1A. Last evaluated: 2023-11-21. Review status: criteria provided, single submitter. Criteria: Invitae Variant Classification Sherloc (09022015). Collection method: clinical testing. Allele origin: germline.

NM_004369.4(COL6A3):c.4678G>T (p.Ala1560Ser)

Gene: COL6A3 (collagen type VI alpha 3 chain; minus strand). Cytogenetic location: 2q37.3.
Variant type: single nucleotide variant.
Coding change: c.4678G>T on transcript NM_004369.4 (MANE Select); coding-DNA position 4678, G replaced by T.
Protein change: p.Ala1560Ser; replaces alanine 1560 with serine.
Molecular consequence: missense variant.
Genome position (GRCh38, 1-based): chr2:237,368,785, C>A on the plus strand (G>T on the coding strand, the complement: COL6A3 is on the minus strand). VCF-style: chr2-237368785-C-A. GRCh37 (hg19) VCF-style: chr2-238277428-C-A.
Other names: c.2857G>T, p.Ala953Ser (NM_057166.5); c.4060G>T, p.Ala1354Ser (NM_057167.4); short protein forms A1560S, A1354S, A953S.
Identifiers: ClinVar variation 1898552 (VCV001898552.6), dbSNP rs371631320, ClinGen allele CA2188839.